The following is an entry in ClinVar:

ClinVar aggregate classification (germline): Uncertain significance (1 of 4 stars; one submission).

Submission:

Labcorp Genetics (formerly Invitae), Labcorp
Classification: Uncertain significance. Last evaluated: 2022-09-07. Review status: criteria provided, single submitter. Criteria: Invitae Variant Classification Sherloc (09022015). Collection method: clinical testing. Allele origin: germline.
Comment: In summary, the available evidence is currently insufficient to determine the role of this variant in disease. Therefore, it has been classified as a Variant of Uncertain Significance. This sequence change replaces methionine, which is neutral and non-polar, with threonine, which is neutral and polar, at codon 259 of the CD55 protein (p.Met259Thr). This variant is not present in population databases (gnomAD no frequency). This variant has not been reported in the literature in individuals affected with CD55-related conditions. Algorithms developed to predict the effect of missense changes on protein structure and function (SIFT, PolyPhen-2, Align-GVGD) all suggest that this variant is likely to be disruptive.

NM_000574.5(CD55):c.776T>C (p.Met259Thr)

Gene: CD55 (CD55 molecule (Cromer blood group); plus strand). Cytogenetic location: 1q32.2.
Variant type: single nucleotide variant.
Coding change: c.776T>C on transcript NM_000574.5 (MANE Select); coding-DNA position 776, T replaced by C.
Protein change: p.Met259Thr; replaces methionine 259 with threonine.
Molecular consequence: missense variant. On other transcripts: non-coding transcript variant (1).
Genome position (GRCh38, 1-based): chr1:207,331,219, T>C. VCF-style: chr1-207331219-T-C. GRCh37 (hg19) VCF-style: chr1-207504564-T-C.
Other names: c.776T>C, p.Met259Thr (NM_001114752.3, NM_001300902.2, NM_001300903.2 and 1 more transcripts); short protein forms M259T.
Identifiers: ClinVar variation 2012685 (VCV002012685.4), dbSNP rs2526965260, ClinGen allele CA344517996.